The following is an entry in ClinVar:

NM_005726.6(TSFM):c.231+1G>A

Gene: TSFM (Ts translation elongation factor, mitochondrial; plus strand). Cytogenetic location: 12q14.1.
Variant type: single nucleotide variant.
Coding change: c.231+1G>A on transcript NM_005726.6 (MANE Select); the canonical splice donor site of the intron after coding-DNA position 231, G replaced by A.
Molecular consequence: splice donor variant.
Genome position (GRCh38, 1-based): chr12:57,783,284, G>A. VCF-style: chr12-57783284-G-A. GRCh37 (hg19) VCF-style: chr12-58177067-G-A.
Other names: c.231+1G>A (NM_001172697.2, NM_001172696.2, NM_001172695.2).
Identifiers: ClinVar variation 2679359 (VCV002679359.4), dbSNP rs2540943285, ClinGen allele CA385524056.
Genomic context (GRCh38, chr12:57,783,284, plus strand): 5'-GGCTACTCCTTTGTAAATTGCAAGAAAGCTCTGGAGACTTGTGGCGGGGACCTCAAACAG[G>A]TGTGTGTGTGGAGGGGTGCAGGGCGGAGTACTAGAGCTCGACCTCAGACTCTTGGGGCGG-3'

ClinVar aggregate classification (germline): Likely pathogenic. Review status: criteria provided, multiple submitters, no conflicts (2 of 4 stars). 2 submissions from 2 submitters: Likely pathogenic (2). Last evaluated 2023-06-03.

Conditions:
Fatal mitochondrial disease due to combined oxidative phosphorylation defect type 3. Also called: Combined oxidative phosphorylation deficiency 3; ENCEPHALOMYOPATHY, RESPIRATORY FAILURE, AND LACTIC ACIDOSIS. Identifiers: Orphanet 168566, MedGen C1864840, MONDO:0012512, OMIM 610505.

Submissions (2):

Labcorp Genetics (formerly Invitae), Labcorp
Classification: Likely pathogenic. Last evaluated: 2023-06-03. Review status: criteria provided, single submitter. Criteria: Invitae Variant Classification Sherloc (09022015). Collection method: clinical testing. Allele origin: germline.
Comment: This variant is not present in population databases (gnomAD no frequency). This variant has not been reported in the literature in individuals affected with TSFM-related conditions. This sequence change affects a donor splice site in intron 2 of the TSFM gene. It is expected to disrupt RNA splicing. Variants that disrupt the donor or acceptor splice site typically lead to a loss of protein function (PMID: 16199547), and loss-of-function variants in TSFM are known to be pathogenic (PMID: 17033963, 20435138, 25037205, 27677415). In summary, the currently available evidence indicates that the variant is pathogenic, but additional data are needed to prove that conclusively. Therefore, this variant has been classified as Likely Pathogenic. Algorithms developed to predict the effect of sequence changes on RNA splicing suggest that this variant may disrupt the consensus splice site.

Baylor Genetics
Classification: Likely pathogenic for Fatal mitochondrial disease due to combined oxidative phosphorylation defect type 3. Last evaluated: 2023-05-24. Review status: criteria provided, single submitter. Criteria: ACMG Guidelines, 2015. Collection method: clinical testing. Allele origin: unknown.

Literature cited by the submitters: PubMed 16199547 (cited by Labcorp Genetics (formerly Invitae), Labcorp); PubMed 17033963 (cited by Labcorp Genetics (formerly Invitae), Labcorp); PubMed 20435138 (cited by Labcorp Genetics (formerly Invitae), Labcorp); PubMed 25037205 (cited by Labcorp Genetics (formerly Invitae), Labcorp); PubMed 27677415 (cited by Labcorp Genetics (formerly Invitae), Labcorp).